The following is an entry in ClinVar:

NM_000501.4(ELN):c.26C>T (p.Pro9Leu)

Gene: ELN (elastin; plus strand). Cytogenetic location: 7q11.23.
Variant type: single nucleotide variant.
Coding change: c.26C>T on transcript NM_000501.4 (MANE Select); coding-DNA position 26, C replaced by T.
Protein change: p.Pro9Leu; replaces proline 9 with leucine.
Molecular consequence: missense variant.
Genome position (GRCh38, 1-based): chr7:74,028,213, C>T. VCF-style: chr7-74028213-C-T. GRCh37 (hg19) VCF-style: chr7-73442543-C-T.
Other names: c.26C>T, p.Pro9Leu (NM_001081752.3, NM_001081753.3, NM_001081754.3 and 9 more transcripts); short protein forms P9L.
Identifiers: ClinVar variation 2689013 (VCV002689013.5), dbSNP rs782292334, ClinGen allele CA4292214.
Genomic context (GRCh38, chr7:74,028,213, plus strand): 5'-GGTGCGGAGAGCGGGCTGGGGCATTTCTCCCCGAGATGGCGGGTCTGACGGCGGCGGCCC[C>T]GCGGCCCGGAGTCCTCCTGCTCCTGCTGTCCATCCTCCACCCCTCTCGGCCTGGAGGTAA-3'
Protein context (NP_000492.2, residues 1-19): MAGLTAAA[Pro9Leu]RPGVLLLLLS

ClinVar aggregate classification (germline): Uncertain significance. Review status: criteria provided, multiple submitters, no conflicts (2 of 4 stars). 2 submissions from 2 submitters: Uncertain significance (2). Last evaluated 2023-07-17.

Conditions:
Supravalvar aortic stenosis (SVAS). Also called: Supravalvar aortic stenosis, Eisenberg type. Identifiers: Orphanet 3193, MedGen C0003499, MONDO:0008504, OMIM 185500, HP:0004381.

Allele frequency attached by ClinVar (database versions not stated): TOPMed 0.00001.
gnomAD v4.1: 32 of 1,611,260 alleles (0.002%); highest among the groups gnomAD compares: South Asian, 0.026%; no homozygotes.

Submissions (2):

Labcorp Genetics (formerly Invitae), Labcorp
Classification: Uncertain significance for Supravalvar aortic stenosis. Last evaluated: 2023-07-17. Review status: criteria provided, single submitter. Criteria: Invitae Variant Classification Sherloc (09022015). Collection method: clinical testing. Allele origin: germline.
Comment: In summary, the available evidence is currently insufficient to determine the role of this variant in disease. Therefore, it has been classified as a Variant of Uncertain Significance. This sequence change replaces proline, which is neutral and non-polar, with leucine, which is neutral and non-polar, at codon 9 of the ELN protein (p.Pro9Leu). This variant is present in population databases (rs782292334, gnomAD 0.04%), and has an allele count higher than expected for a pathogenic variant. This variant has not been reported in the literature in individuals affected with ELN-related conditions. Advanced modeling of protein sequence and biophysical properties (such as structural, functional, and spatial information, amino acid conservation, physicochemical variation, residue mobility, and thermodynamic stability) performed at Invitae indicates that this missense variant is not expected to disrupt ELN protein function.

Revvity Omics, Revvity
Classification: Uncertain significance. Last evaluated: 2023-04-17. Review status: criteria provided, single submitter. Criteria: ACMG Guidelines, 2015. Collection method: clinical testing. Allele origin: germline.